The following is an entry in ClinVar:

ClinVar aggregate classification (germline): Uncertain significance (1 of 4 stars; one submission).

Submission:

GeneDx
Classification: Uncertain significance. Last evaluated: 2025-04-03. Review status: criteria provided, single submitter. Criteria: GeneDx Variant Classification Process June 2021. Collection method: clinical testing. Allele origin: germline. Affected: yes.
Comment: Not observed at significant frequency in large population cohorts (gnomAD); In silico analysis indicates that this missense variant does not alter protein structure/function; Has not been previously published as pathogenic or benign to our knowledge

NM_007192.4(SUPT16H):c.1744A>G (p.Asn582Asp)

Gene: SUPT16H (SPT16 homolog, facilitates chromatin remodeling subunit; minus strand). Cytogenetic location: 14q11.2.
Variant type: single nucleotide variant.
Coding change: c.1744A>G on transcript NM_007192.4 (MANE Select); coding-DNA position 1744, A replaced by G.
Protein change: p.Asn582Asp; replaces asparagine 582 with aspartic acid.
Molecular consequence: missense variant.
Genome position (GRCh38, 1-based): chr14:21,362,246, T>C on the plus strand (A>G on the coding strand, the complement: SUPT16H is on the minus strand). VCF-style: chr14-21362246-T-C. GRCh37 (hg19) VCF-style: chr14-21830405-T-C.
Other names: short protein forms N582D.
Identifiers: ClinVar variation 4278758 (VCV004278758.1).